The following is an entry in ClinVar:

ClinVar aggregate classification (germline): Pathogenic (1 of 4 stars; one submission).

Conditions:
Heterotaxy, visceral, 1, X-linked (HTX1). Also called: DEXTROCARDIA WITH OTHER CARDIAC MALFORMATIONS; Laterality, X-linked; Visceral heterotaxia; SITUS INVERSUS, COMPLEX CARDIAC DEFECTS, AND SPLENIC DEFECTS, X-LINKED. Identifiers: Orphanet 450, MedGen C1844020, MONDO:0010607, OMIM 306955.

Submission:

Labcorp Genetics (formerly Invitae), Labcorp
Classification: Pathogenic for Heterotaxy, visceral, X-linked. Last evaluated: 2015-02-23. Review status: criteria provided, single submitter. Criteria: Invitae Variant Classification Sherloc (09022015). Collection method: clinical testing. Allele origin: germline.
Comment: A gross deletion of the genomic region encompassing the full coding sequence of the ZIC3 gene has been identified. Gross deletions in ZIC3 are known to be pathogenic. This particular truncation has been reported in a family in which multiple generations of male family members presented with multiple congenital anomalies consistent with heterotaxy and VACTERL-H syndrome. Female carriers from this family were found to be asymptomatic. (PMID: 21465648). For these reasons, this variant has been classified as Pathogenic.

NM_003413.3(ZIC3):c.(?_-1)_(*1_?)del

Gene: ZIC3 (Zic family zinc finger 3; plus strand). Cytogenetic location: Xq26.3.
Variant type: Deletion.
Coding change: c.(?_-1)_(*1_?)del on transcript NM_003413.3; a large deletion whose breakpoints are not mapped to the base.
Identifiers: ClinVar variation 216089 (VCV000216089.1).